The following is an entry in ClinVar:

NC_000011.9:g.(?_108205686)_(108236245_?)dup

Gene: ATM (ATM serine/threonine kinase; plus strand). Cytogenetic location: 11q22.3.
Variant type: Duplication.
Identifiers: ClinVar variation 1464246 (VCV001464246.5).

ClinVar aggregate classification (germline): Uncertain significance (1 of 4 stars; one submission).

Conditions:
Ataxia-telangiectasia syndrome (AT). Also called: Ataxia-telangiectasia, complementation group D; AT, COMPLEMENTATION GROUP C; Cerebello-oculocutaneous telangiectasia; Immunodeficiency with ataxia telangiectasia; Ataxia-telangiectasia, complementation group E; LOUIS-BAR SYNDROME. Identifiers: Orphanet 100, MedGen C0004135, MONDO:0008840, OMIM 208900.

Submission:

Labcorp Genetics (formerly Invitae), Labcorp
Classification: Uncertain significance for Ataxia-telangiectasia syndrome. Last evaluated: 2021-09-08. Review status: criteria provided, single submitter. Criteria: Invitae Variant Classification Sherloc (09022015). Collection method: clinical testing. Allele origin: germline.
Comment: This variant results in a copy number gain of the genomic region encompassing exon(s) 55-63 of the ATM gene. This region includes the termination codon of the gene. This copy number gain extends beyond the assayed region for this gene and therefore may encompass additional genes. As the precise location of this event is unknown, it may be in tandem or it may be located elsewhere in the genome. This variant has not been reported in the literature in individuals affected with ATM-related conditions. Experimental studies and prediction algorithms are not available or were not evaluated, and the functional significance of this variant is currently unknown. In summary, the available evidence is currently insufficient to determine the role of this variant in disease. Therefore, it has been classified as a Variant of Uncertain Significance.